The following is an entry in ClinVar:

NM_006231.4(POLE):c.440G>T (p.Gly147Val)

Gene: POLE (DNA polymerase epsilon, catalytic subunit; minus strand). Cytogenetic location: 12q24.33.
Variant type: single nucleotide variant.
Coding change: c.440G>T on transcript NM_006231.4 (MANE Select); coding-DNA position 440, G replaced by T.
Protein change: p.Gly147Val; replaces glycine 147 with valine.
Molecular consequence: missense variant.
Genome position (GRCh38, 1-based): chr12:132,679,635, C>A on the plus strand (G>T on the coding strand, the complement: POLE is on the minus strand). VCF-style: chr12-132679635-C-A. GRCh37 (hg19) VCF-style: chr12-133256221-C-A.
Other names: short protein forms G147V.
Identifiers: ClinVar variation 1358178 (VCV001358178.8), dbSNP rs377573501, ClinGen allele CA387367585.

ClinVar aggregate classification (germline): Uncertain significance (1 of 4 stars; one submission).

Allele frequency attached by ClinVar (database versions not stated): gnomAD exomes below 0.00001.
gnomAD v4.1: 1 of 1,610,906 alleles (0.000062%); highest among the groups gnomAD compares: South Asian, 0.0011%; no homozygotes.

Submission:

Labcorp Genetics (formerly Invitae), Labcorp
Classification: Uncertain significance. Last evaluated: 2023-11-20. Review status: criteria provided, single submitter. Criteria: Invitae Variant Classification Sherloc (09022015). Collection method: clinical testing. Allele origin: germline.
Comment: This sequence change replaces glycine, which is neutral and non-polar, with valine, which is neutral and non-polar, at codon 147 of the POLE protein (p.Gly147Val). This variant is not present in population databases (gnomAD no frequency). This variant has not been reported in the literature in individuals affected with POLE-related conditions. ClinVar contains an entry for this variant (Variation ID: 1358178). Advanced modeling of protein sequence and biophysical properties (such as structural, functional, and spatial information, amino acid conservation, physicochemical variation, residue mobility, and thermodynamic stability) performed at Invitae indicates that this missense variant is expected to disrupt POLE protein function with a positive predictive value of 80%. In summary, the available evidence is currently insufficient to determine the role of this variant in disease. Therefore, it has been classified as a Variant of Uncertain Significance.